The following is an entry in ClinVar:

ClinVar aggregate classification (germline): Pathogenic (1 of 4 stars; one submission).

Conditions:
Primary ciliary dyskinesia. Also called: Ciliary dyskinesia. Identifiers: Orphanet 244, MedGen C0008780, MONDO:0016575, HP:0012265.

Submission:

Labcorp Genetics (formerly Invitae), Labcorp
Classification: Pathogenic for Primary ciliary dyskinesia. Last evaluated: 2024-08-05. Review status: criteria provided, single submitter. Criteria: Invitae Variant Classification Sherloc (09022015). Collection method: clinical testing. Allele origin: germline.
Comment: This sequence change creates a premature translational stop signal (p.Gly4425Lysfs*25) in the DNAH11 gene. While this is not anticipated to result in nonsense mediated decay, it is expected to disrupt the last 92 amino acid(s) of the DNAH11 protein. This variant is not present in population databases (gnomAD no frequency). This variant has not been reported in the literature in individuals affected with DNAH11-related conditions. ClinVar contains an entry for this variant (Variation ID: 1074149). This variant disrupts a region of the DNAH11 protein in which other variant(s) (p.Trp4505Serfs*10) have been determined to be pathogenic (Invitae). This suggests that this is a clinically significant region of the protein, and that variants that disrupt it are likely to be disease-causing. For these reasons, this variant has been classified as Pathogenic.

NM_001277115.2(DNAH11):c.13266_13272dup (p.Gly4425fs)

Gene: DNAH11 (dynein axonemal heavy chain 11; plus strand). Cytogenetic location: 7p15.3.
Variant type: Duplication.
Coding change: c.13266_13272dup on transcript NM_001277115.2 (MANE Select); coding-DNA positions 13266 to 13272, 7 bases duplicated (AAGGGAA; older notation c.13266_13272dupAAGGGAA).
Protein change: p.Gly4425fs; shifts the reading frame from glycine 4425.
Molecular consequence: frameshift variant.
Genome position (GRCh38, 1-based): chr7:21,900,083-21,900,089, AAGGGAA duplicated. VCF-style (leftmost placement, unchanged base first): chr7-21900082-C-CAAGGGAA. GRCh37 (hg19) VCF-style: chr7-21939700-C-CAAGGGAA.
Other names: short protein forms G4425fs.
Identifiers: ClinVar variation 1074149 (VCV001074149.9), dbSNP rs2128052407, ClinGen allele CA2499218856.